The following is an entry in ClinVar:

NM_014244.5(ADAMTS2):c.3352G>C (p.Val1118Leu)

Gene: ADAMTS2 (ADAM metallopeptidase with thrombospondin type 1 motif 2; minus strand). Cytogenetic location: 5q35.3.
Variant type: single nucleotide variant.
Coding change: c.3352G>C on transcript NM_014244.5 (MANE Select); coding-DNA position 3352, G replaced by C.
Protein change: p.Val1118Leu; replaces valine 1118 with leucine.
Molecular consequence: missense variant.
Genome position (GRCh38, 1-based): chr5:179,114,151, C>G on the plus strand (G>C on the coding strand, the complement: ADAMTS2 is on the minus strand). VCF-style: chr5-179114151-C-G. GRCh37 (hg19) VCF-style: chr5-178541152-C-G.
Other names: short protein forms V1118L.
Identifiers: ClinVar variation 1954448 (VCV001954448.2), dbSNP rs148717330, ClinGen allele CA362411940.

ClinVar aggregate classification (germline): Uncertain significance (1 of 4 stars; one submission).

Conditions:
Ehlers-Danlos syndrome, dermatosparaxis type. Also called: EDS VIIC; Ehlers-Danlos syndrome, type VII, autosomal recessive; Dermatosparaxis. Identifiers: Orphanet 1901, MedGen C2700425, MONDO:0009161, OMIM 225410.

gnomAD v4.1: 13 of 1,613,132 alleles (0.00081%); highest among the groups gnomAD compares: Non-Finnish European, 0.0011%; no homozygotes.

Submission:

Labcorp Genetics (formerly Invitae), Labcorp
Classification: Uncertain significance for Ehlers-Danlos syndrome, dermatosparaxis type. Last evaluated: 2022-06-17. Review status: criteria provided, single submitter. Criteria: Invitae Variant Classification Sherloc (09022015). Collection method: clinical testing. Allele origin: germline.
Comment: This sequence change replaces valine, which is neutral and non-polar, with leucine, which is neutral and non-polar, at codon 1118 of the ADAMTS2 protein (p.Val1118Leu). This variant is not present in population databases (gnomAD no frequency). This variant has not been reported in the literature in individuals affected with ADAMTS2-related conditions. Algorithms developed to predict the effect of missense changes on protein structure and function (SIFT, PolyPhen-2, Align-GVGD) all suggest that this variant is likely to be tolerated. In summary, the available evidence is currently insufficient to determine the role of this variant in disease. Therefore, it has been classified as a Variant of Uncertain Significance.